The following is an entry in ClinVar:

ClinVar aggregate classification (germline): Uncertain significance. Review status: criteria provided, multiple submitters, no conflicts (2 of 4 stars). 4 submissions from 4 submitters: Uncertain significance (4). Last evaluated 2025-10-05.

Conditions:
Hereditary cancer-predisposing syndrome. Also called: Tumor predisposition; Neoplastic Syndromes, Hereditary; Hereditary neoplastic syndrome; Hereditary Cancer Syndrome. Identifiers: Orphanet 140162, MedGen C0027672, MeSH D009386, MONDO:0015356.
Endometrial carcinoma. Also called: Endometrial carcinoma, somatic. Identifiers: MedGen C0476089, MONDO:0002447, OMIM 608089, HP:0012114.

Allele frequency attached by ClinVar (database versions not stated): gnomAD 0.00001; TOPMed 0.00001.
gnomAD v4.1: 6 of 1,613,300 alleles (0.00037%); highest among the groups gnomAD compares: Non-Finnish European, 0.00051%; no homozygotes.

Submissions (4):

Labcorp Genetics (formerly Invitae), Labcorp
Classification: Uncertain significance. Last evaluated: 2025-10-05. Review status: criteria provided, single submitter. Criteria: Invitae Variant Classification Sherloc (09022015). Collection method: clinical testing. Allele origin: germline.
Comment: This sequence change replaces arginine, which is basic and polar, with leucine, which is neutral and non-polar, at codon 296 of the MSH3 protein (p.Arg296Leu). This variant is not present in population databases (gnomAD no frequency). This variant has not been reported in the literature in individuals affected with MSH3-related conditions. ClinVar contains an entry for this variant (Variation ID: 848843). An algorithm developed to predict the effect of missense changes on protein structure and function (PolyPhen-2) suggests that this variant is likely to be disruptive. In summary, the available evidence is currently insufficient to determine the role of this variant in disease. Therefore, it has been classified as a Variant of Uncertain Significance.

Ambry Genetics
Classification: Uncertain significance for Hereditary cancer-predisposing syndrome. Last evaluated: 2024-04-24. Review status: criteria provided, single submitter. Criteria: Ambry Variant Classification Scheme 2023. Collection method: clinical testing. Allele origin: germline.
Comment: The p.R296L variant (also known as c.887G>T), located in coding exon 5 of the MSH3 gene, results from a G to T substitution at nucleotide position 887. The arginine at codon 296 is replaced by leucine, an amino acid with dissimilar properties. This amino acid position is highly conserved in available vertebrate species. In addition, this alteration is predicted to be deleterious by in silico analysis. Based on the available evidence, the clinical significance of this variant remains unclear.

Baylor Genetics
Classification: Uncertain significance for Endometrial carcinoma. Last evaluated: 2024-03-14. Review status: criteria provided, single submitter. Criteria: ACMG Guidelines, 2015. Collection method: clinical testing. Allele origin: unknown.

GeneDx
Classification: Uncertain significance. Last evaluated: 2024-03-06. Review status: criteria provided, single submitter. Criteria: GeneDx Variant Classification Process June 2021. Collection method: clinical testing. Allele origin: germline. Affected: yes.
Comment: Not observed at significant frequency in large population cohorts (gnomAD); In silico analysis supports that this missense variant has a deleterious effect on protein structure/function; Has not been previously published as pathogenic or benign to our knowledge

NM_002439.5(MSH3):c.887G>T (p.Arg296Leu)

Gene: MSH3 (mutS homolog 3; plus strand). Cytogenetic location: 5q14.1.
Variant type: single nucleotide variant.
Coding change: c.887G>T on transcript NM_002439.5 (MANE Select); coding-DNA position 887, G replaced by T.
Protein change: p.Arg296Leu; replaces arginine 296 with leucine.
Molecular consequence: missense variant.
Genome position (GRCh38, 1-based): chr5:80,672,338, G>T. VCF-style: chr5-80672338-G-T. GRCh37 (hg19) VCF-style: chr5-79968157-G-T.
Other names: short protein forms R296L.
Identifiers: ClinVar variation 848843 (VCV000848843.14), dbSNP rs746594395, ClinGen allele CA360267254.